The following is an entry in ClinVar:

NM_024642.5(GALNT12):c.1066C>T (p.His356Tyr)

Gene: GALNT12 (polypeptide N-acetylgalactosaminyltransferase 12; plus strand). Cytogenetic location: 9q22.33.
Variant type: single nucleotide variant.
Coding change: c.1066C>T on transcript NM_024642.5 (MANE Select); coding-DNA position 1066, C replaced by T.
Protein change: p.His356Tyr; replaces histidine 356 with tyrosine.
Molecular consequence: missense variant.
Genome position (GRCh38, 1-based): chr9:98,837,002, C>T. VCF-style: chr9-98837002-C-T. GRCh37 (hg19) VCF-style: chr9-101599284-C-T.
Other names: short protein forms H356Y.
Identifiers: ClinVar variation 1781918 (VCV001781918.8), dbSNP rs773270880, ClinGen allele CA5154166.
Genomic context (GRCh38, chr9:98,837,002, plus strand): 5'-CACCTGGCCTCTCCTTTTCTCTGTGTGCAGATCTGGCAGTGTGGTGGGGTTCTGGAAACA[C>T]ACCCATGTTCCCATGTTGGCCATGTTTTCCCCAAGCAAGCTCCCTACTCCCGCAACAAGG-3'
Protein context (NP_078918.3, residues 346-366): IWQCGGVLET[His356Tyr]PCSHVGHVFP

ClinVar aggregate classification (germline): Uncertain significance. Review status: criteria provided, multiple submitters, no conflicts (2 of 4 stars). 5 submissions from 5 submitters: Uncertain significance (5). Last evaluated 2025-10-21.

Conditions:
Colorectal cancer, susceptibility to, 1. Also called: COLORECTAL ADENOMA AND CANCER, SUSCEPTIBILITY TO; COLORECTAL CANCER, SUSCEPTIBILITY TO, ON CHROMOSOME 9. Identifiers: MedGen C1837315, MONDO:0012132, OMIM 608812.

Allele frequency attached by ClinVar (database versions not stated): gnomAD exomes below 0.00001; TOPMed below 0.00001; gnomAD 0.00001; ExAC 0.00002.

Submissions (5):

Women's Health and Genetics/Laboratory Corporation of America, LabCorp
Classification: Uncertain significance. Last evaluated: 2025-10-21. Review status: criteria provided, single submitter. Criteria: LabCorp Variant Classification Summary - May 2015. Collection method: clinical testing. Allele origin: germline.
Comment: Variant summary: GALNT12 c.1066C>T (p.His356Tyr) results in a conservative amino acid change in the encoded protein sequence. Algorithms developed to predict the effect of missense changes on protein structure and function are either unavailable or do not agree on the potential impact of this missense change. The variant allele was found at a frequency of 1.6e-05 in 251418 control chromosomes. The available data on variant occurrences in the general population are insufficient to allow any conclusion about variant significance. To our knowledge, no occurrence of c.1066C>T in individuals affected with GALNT12-related conditions and no experimental evidence demonstrating its impact on protein function have been reported. ClinVar contains an entry for this variant (Variation ID: 1781918). Based on the evidence outlined above, the variant was classified as uncertain significance.

Ambry Genetics
Classification: Uncertain significance. Last evaluated: 2025-09-11. Review status: criteria provided, single submitter. Criteria: Ambry Variant Classification Scheme 2023. Collection method: clinical testing. Allele origin: germline.
Comment: The p.H356Y variant (also known as c.1066C>T), located in coding exon 6 of the GALNT12 gene, results from a C to T substitution at nucleotide position 1066. The histidine at codon 356 is replaced by tyrosine, an amino acid with similar properties. This amino acid position is highly conserved in available vertebrate species. In addition, this alteration is predicted to be deleterious by in silico analysis. Since supporting evidence is limited at this time, the clinical significance of this alteration remains unclear.

Labcorp Genetics (formerly Invitae), Labcorp
Classification: Uncertain significance. Last evaluated: 2025-08-09. Review status: criteria provided, single submitter. Criteria: Invitae Variant Classification Sherloc (09022015). Collection method: clinical testing. Allele origin: germline.
Comment: This sequence change replaces histidine, which is basic and polar, with tyrosine, which is neutral and polar, at codon 356 of the GALNT12 protein (p.His356Tyr). This variant is present in population databases (rs773270880, gnomAD 0.004%). This variant has not been reported in the literature in individuals affected with GALNT12-related conditions. ClinVar contains an entry for this variant (Variation ID: 1781918). Invitae Evidence Modeling of protein sequence and biophysical properties (such as structural, functional, and spatial information, amino acid conservation, physicochemical variation, residue mobility, and thermodynamic stability) indicates that this missense variant is not expected to disrupt GALNT12 protein function with a negative predictive value of 80%. In summary, the available evidence is currently insufficient to determine the role of this variant in disease. Therefore, it has been classified as a Variant of Uncertain Significance.

Baylor Genetics
Classification: Uncertain significance for Colorectal cancer, susceptibility to, 1. Last evaluated: 2024-01-17. Review status: criteria provided, single submitter. Criteria: ACMG Guidelines, 2015. Collection method: clinical testing. Allele origin: unknown.

Department of Pathology and Laboratory Medicine, Sinai Health System
Classification: Uncertain significance for Colorectal cancer, susceptibility to, 1. Last evaluated: 2023-02-07. Review status: criteria provided, single submitter. Criteria: ACMG Guidelines, 2015. Collection method: clinical testing. Allele origin: germline. Affected: yes.